The following is an entry in ClinVar:

NM_020831.6(MRTFA):c.2434C>G (p.Pro812Ala)

Gene: MRTFA (myocardin related transcription factor A; minus strand). Cytogenetic location: 22q13.1.
Variant type: single nucleotide variant.
Coding change: c.2434C>G on transcript NM_020831.6 (MANE Select); coding-DNA position 2434, C replaced by G.
Protein change: p.Pro812Ala; replaces proline 812 with alanine.
Molecular consequence: missense variant.
Genome position (GRCh38, 1-based): chr22:40,417,424, G>C on the plus strand (C>G on the coding strand, the complement: MRTFA is on the minus strand). VCF-style: chr22-40417424-G-C. GRCh37 (hg19) VCF-style: chr22-40813428-G-C.
Other names: c.2134C>G, p.Pro712Ala (NM_001282660.2); c.2284C>G, p.Pro762Ala (NM_001282661.3); c.2434C>G, p.Pro812Ala (NM_001282662.3); c.2239C>G, p.Pro747Ala (NM_001318139.2); short protein forms P712A, P812A, P747A, P762A.
Identifiers: ClinVar variation 4731330 (VCV004731330.2).

ClinVar aggregate classification (germline): Uncertain significance. Review status: criteria provided, multiple submitters, no conflicts (2 of 4 stars). 2 submissions from 2 submitters: Uncertain significance (2). Last evaluated 2025-11-24.

Submissions (2):

Labcorp Genetics (formerly Invitae), Labcorp
Classification: Uncertain significance. Last evaluated: 2025-11-24. Review status: criteria provided, single submitter. Criteria: Invitae Variant Classification Sherloc (09022015). Collection method: clinical testing. Allele origin: germline.
Comment: This sequence change replaces proline, which is neutral and non-polar, with alanine, which is neutral and non-polar, at codon 712 of the MKL1 protein (p.Pro712Ala). This variant is not present in population databases (gnomAD no frequency). This variant has not been reported in the literature in individuals affected with MKL1-related conditions. An algorithm developed to predict the effect of missense changes on protein structure and function outputs the following: PolyPhen-2: "Probably Damaging". The alanine amino acid residue is found in multiple mammalian species, which suggests that this missense change does not adversely affect protein function. In summary, the available evidence is currently insufficient to determine the role of this variant in disease. Therefore, it has been classified as a Variant of Uncertain Significance.

Blueprint Genetics
Classification: Uncertain significance. Last evaluated: 2022-03-25. Review status: criteria provided, single submitter. Criteria: ACMG Guidelines, 2015. Collection method: clinical testing. Allele origin: germline.